The following is an entry in ClinVar:

NM_020297.4(ABCC9):c.38ATA[1] (p.Asn14del)

Gene: ABCC9 (ATP binding cassette subfamily C member 9; minus strand). Cytogenetic location: 12p12.1.
Variant type: Microsatellite.
Coding change: c.38ATA[1] on transcript NM_020297.4 (MANE Select); one copy of the 3-base unit ATA starting at c.38; the reference has two copies in a row; one copy, 3 bases deleted.
Protein change: p.Asn14del; deletes asparagine 14.
Molecular consequence: inframe deletion. On other transcripts: 5 prime UTR variant (1).
Genome position (GRCh38, 1-based): chr12:21,936,632-21,936,634, TAT deleted on the plus strand (ATA on the coding strand, the reverse complement: ABCC9 is on the minus strand); deleting any 3 consecutive bases within chr12:21,936,632-21,936,637 gives the same sequence; the position shown is the placement nearest the transcript's 3' end. VCF-style (leftmost placement, unchanged base first): chr12-21936631-ATAT-A. GRCh37 (hg19) VCF-style: chr12-22089565-ATAT-A.
Other names: c.38ATA[1], p.Asn14del (NM_001377273.1, NM_005691.4); c.-417ATA[1] (NM_001377274.1); c.41_43delATA (NM_005691.2); short protein forms N14del.
Identifiers: ClinVar variation 1001255 (VCV001001255.12), dbSNP rs1949498673, ClinGen allele CA2021348119.
Genomic context (GRCh38, chr12:21,936,631, plus strand): 5'-ACATGAGGGACCAGGTTGAGGGCATCCACAAAGCAGGAATTTTGTAGTACACCATCGTTG[ATAT>A]TATATGAAGAAATGTTGTTACCACAAAATGAAAGGCTCATTTCTTCTTATATGGTTTACT-3'

ClinVar aggregate classification (germline): Uncertain significance. Review status: criteria provided, multiple submitters, no conflicts (2 of 4 stars). 2 submissions from 2 submitters: Uncertain significance (2). Last evaluated 2025-05-22.

Conditions:
Cardiovascular phenotype. Identifiers: MedGen CN230736.
Dilated cardiomyopathy 1O (CMD1O). Also called: CARDIOMYOPATHY, DILATED, WITH VENTRICULAR TACHYCARDIA. Identifiers: Orphanet 154, MedGen C1837839, MONDO:0012062, OMIM 608569.

Submissions (2):

Labcorp Genetics (formerly Invitae), Labcorp
Classification: Uncertain significance for Dilated cardiomyopathy 1O. Last evaluated: 2025-05-22. Review status: criteria provided, single submitter. Criteria: Invitae Variant Classification Sherloc (09022015). Collection method: clinical testing. Allele origin: germline.
Comment: This variant, c.41_43del, results in the deletion of 1 amino acid(s) of the ABCC9 protein (p.Asn14del), but otherwise preserves the integrity of the reading frame. This variant is not present in population databases (gnomAD no frequency). This variant has not been reported in the literature in individuals affected with ABCC9-related conditions. Experimental studies and prediction algorithms are not available or were not evaluated, and the functional significance of this variant is currently unknown. In summary, the available evidence is currently insufficient to determine the role of this variant in disease. Therefore, it has been classified as a Variant of Uncertain Significance.

Ambry Genetics
Classification: Uncertain significance for Cardiovascular phenotype. Last evaluated: 2023-03-31. Review status: criteria provided, single submitter. Criteria: Ambry Variant Classification Scheme 2023. Collection method: clinical testing. Allele origin: germline.
Comment: The c.41_43delATA variant (also known as p.N14del) is located in coding exon 1 of the ABCC9 gene. This variant results from an in-frame ATA deletion at nucleotide positions 41 to 43. This results in the in-frame deletion of an asparagine at codon 14. This amino acid position is not well conserved in available vertebrate species. In addition, the in silico prediction for this alteration is inconclusive (Choi Y et al. PLoS ONE. 2012; 7(10):e46688). Since supporting evidence is limited at this time, the clinical significance of this alteration remains unclear.